The following is an entry in ClinVar:

NM_000152.5(GAA):c.1802C>T (p.Ser601Leu)

Gene: GAA (alpha glucosidase; plus strand). Cytogenetic location: 17q25.3.
Variant type: single nucleotide variant.
Coding change: c.1802C>T on transcript NM_000152.5 (MANE Select); coding-DNA position 1802, C replaced by T.
Protein change: p.Ser601Leu; replaces serine 601 with leucine.
Molecular consequence: missense variant.
Genome position (GRCh38, 1-based): chr17:80,112,625, C>T. VCF-style: chr17-80112625-C-T. GRCh37 (hg19) VCF-style: chr17-78086424-C-T.
Other names: c.1802C>T, p.Ser601Leu (NM_001079803.3, NM_001079804.3); short protein forms S601L.
Identifiers: ClinVar variation 194154 (VCV000194154.37), dbSNP rs374470794, ClinGen allele CA274982.

ClinVar aggregate classification (germline): Pathogenic. Review status: reviewed by expert panel (3 of 4 stars). 12 submissions from 12 submitters: Pathogenic (1). 11 of the submissions do not count toward it. Last evaluated 2021-09-07.

Conditions:
Glycogen storage disease, type II (IOPD). Also called: Glycogen storage disease type 2; Acid maltase deficiency disease; Aglucosidase alfa; Deficiency of alpha-glucosidase; Deficiency of lysosomal alpha-glucosidase; CARDIOMEGALIA GLYCOGENICA DIFFUSA. Identifiers: Orphanet 365, MedGen C0017921, MONDO:0009290, OMIM 232300.

Allele frequency attached by ClinVar (database versions not stated): TOPMed below 0.00001; gnomAD 0.00001.
gnomAD v4.1: 6 of 1,612,894 alleles (0.00037%); highest among the groups gnomAD compares: African/African-American, 0.0027%; no homozygotes.

Submissions 1 to 8 of 12:

ClinGen Lysosomal Storage Disorder Variant Curation Expert Panel
Classification: Pathogenic for Glycogen storage disease, type II. Last evaluated: 2021-09-07. Review status: reviewed by expert panel. Criteria: clingen_lsd_acmg_specifications_v2-1. Collection method: curation. Allele origin: germline. Inheritance: Autosomal recessive inheritance.
Comment: The NM_000152.5:c. c.1802C>T variant in GAA is a missense variant predicted to cause substitution of serine by leucine at amino acid 601 (p.Ser601Leu). At least eight patients with this variant have been reported to have Pompe disease including three with clinical features consistent with infantile onset Pompe disease and on enzyme replacement therapy (PMID 22538254, 30023291), and one with GAA deficiency reported in the affected range in lymphocytes (PMID 22676651), as well as four patients reported to be diagnosed with the condition (PMID 28394184) (PP4_Moderate). Of note, in one patient, with features of infantile onset Pompe disease and on ERT, the variant was reported to be in cis with pseudodeficiency variants c.1726G>A and c.2065G>A (PMID 22538254). Of these patients, four were compound heterozygous for the variant and a variant that has been classified as pathogenic or likely pathogenic by the ClinGen LSD VCEP (PMID 22676651, 28394184, 30023291) One patient was homozygous for the variant (PMID 30023291) (PM3_Strong). In addition, three patients were compound heterozygous for the variant and a missense variant (PMID 22538254, 28394184). The in trans data from these patients will be used in the assessment of the second variant and is not included here in order to avoid circular logic. The highest population minor allele frequency in gnomAD is 0.00064 in the East Asian population, which is lower than the ClinGen LSD VCEP threshold (<0.001) for PM2_Supporting, meeting this criterion (PM2_Supporting). Expression of the variant in COS cells resulted in 0.5% wild type GAA activity in cells and medium, and evidence of abnormal GAA synthesis and processing, leading the variant to be described as Class B (“potentially less severe"). This indicates that the variant may impact protein function (PMID: 22644586) (PS3_Moderate). The computational predictor REVEL gives a score of 0.961, which is above the threshold of 0.7, evidence that correlates with impact to GAA function (PP3). Another missense variant, c.1802C>G (p.Ser601Trp), in the same codon has been reported in patients with Pompe disease (PMID 17056254, 29422078). However, the data for p.Ser601Leu will be used in the assessment of p.Ser601Trp and therefore PM5 is not met here in order to avoid circular logic (PM5 not met). The is a ClinVar entry for this variant (Variation ID: 194154). In summary, this variant meets the criteria to be classified at pathogenic for Pompe disease. ACMG/AMP criteria met, as specified by the ClinGen Lysosomal Storage Disorders Variant Curation Expert Panel (Specification version 2.0): PM3_Strong; PS3_Moderate, PP4_Moderate, PM2_Supporting, PP3. (Classification approved on August 17, 2021)

Genomenon, Inc
Classification: Pathogenic for Glycogen storage disease, type II. Last evaluated: 2026-07-01. Review status: criteria provided, single submitter. Criteria: Genomenon Sequence Variant Interpretation Standards - Updated. Collection method: curation. Allele origin: germline. Affected: yes. Not counted in ClinVar's aggregate classification.
Comment: GAA p.Ser601Leu (c.1802C>T) is a missense variant that changes the amino acid at codon 601 from Serine to Leucine. This variant has been observed in at least one proband with a GAA-related disorder in the compound heterozygous and/or homozygous state (PMID:35833019;34734785;33996274;33073009;31899940;30023291;25139343;28394184;25396301;22658377;22081099). At least one functional study has demonstrated a substantial alteration in protein function relative to the wild-type (PMID:22644586). It is absent or not present at a significant frequency in gnomAD. In silico models predict that this variant is possibly or probably damaging. In conclusion, we classify GAA p.Ser601Leu (c.1802C>T) as a pathogenic variant.

Natera, Inc.
Classification: Pathogenic for Glycogen storage disease type II. Last evaluated: 2025-10-10. Review status: criteria provided, single submitter. Criteria: Natera Variant Classification Schema (03/2026). Collection method: clinical testing. Allele origin: germline. Not counted in ClinVar's aggregate classification.
Comment: The c.1802C>T variant in GAA is a missense variant predicted to cause substitution of serine to leucine at amino acid 601. This variant is rare in the general population with a frequency below the threshold expected for the associated phenotype(s). This variant has been observed in one or more individuals affected with the associated recessive disease, as either homozygous or compound heterozygous with a second variant (PMID: 28394184). Given the available evidence, this variant is classified as Pathogenic.

Genomic Medicine Center of Excellence, King Faisal Specialist Hospital and Research Centre
Classification: Pathogenic for Glycogen storage disease, type II. Last evaluated: 2025-09-10. Review status: criteria provided, single submitter. Criteria: ACMG Guidelines, 2015. Collection method: clinical testing. Allele origin: germline. Not counted in ClinVar's aggregate classification.

Revvity Omics, Revvity
Classification: Pathogenic. Last evaluated: 2024-04-11. Review status: criteria provided, single submitter. Criteria: ACMG Guidelines, 2015. Collection method: clinical testing. Allele origin: germline. Not counted in ClinVar's aggregate classification.

Labcorp Genetics (formerly Invitae), Labcorp
Classification: Pathogenic for Glycogen storage disease, type II. Last evaluated: 2024-04-03. Review status: criteria provided, single submitter. Criteria: Invitae Variant Classification Sherloc (09022015). Collection method: clinical testing. Allele origin: germline. Not counted in ClinVar's aggregate classification.
Comment: This sequence change replaces serine, which is neutral and polar, with leucine, which is neutral and non-polar, at codon 601 of the GAA protein (p.Ser601Leu). This variant is present in population databases (no rsID available, gnomAD 0.06%). This missense change has been observed in individuals with Pompe disease (PMID: 22252923, 28394184). ClinVar contains an entry for this variant (Variation ID: 194154). Advanced modeling of protein sequence and biophysical properties (such as structural, functional, and spatial information, amino acid conservation, physicochemical variation, residue mobility, and thermodynamic stability) performed at Invitae indicates that this missense variant is expected to disrupt GAA protein function with a positive predictive value of 95%. Experimental studies have shown that this missense change affects GAA function (PMID: 22644586). For these reasons, this variant has been classified as Pathogenic.

Genetic Services Laboratory, University of Chicago
Classification: Pathogenic. Last evaluated: 2023-12-28. Review status: criteria provided, single submitter. Criteria: ACMG Guidelines, 2015. Collection method: clinical testing. Allele origin: germline. Affected: yes. Not counted in ClinVar's aggregate classification.
Comment: The c.1802C>T sequence change in exon 13 results in an amino acid change, p.Ser601Leu. The p.Ser601Leu change affects a moderately conserved amino acid residue located in a domain of the GAA protein that is known to be functional. The p.Ser601Leu substitution appears to be deleterious using several in-silico pathogenicity prediction tools (SIFT, PolyPhen2, REVEL). This sequence change has previously been described in several individuals with clinical features consistent with Pompe disease (PMID: 22252923, 28394184, 22538254, 22676651). Expression studies of this variant in COS cells indicated that it results in decrease in protein levels and enzymatic activity and may impact protein function (PMID: 22644586). This sequence change has been described in the gnomAD database with an overall frequency of 0.0031% (dbSNP rs374470794). This sequence change has been classified as pathogenic by the ClinGen Lysosomal Storage Disorder Variant Curation Expert Panel. Collectively, this evidence indicates that this sequence change is pathogenic.

Laboratory for Molecular Medicine, Mass General Brigham Personalized Medicine
Classification: Pathogenic for Glycogen storage disease, type II. Last evaluated: 2023-02-02. Review status: criteria provided, single submitter. Criteria: ACMG Guidelines, 2015. Collection method: clinical testing. Allele origin: germline. Not counted in ClinVar's aggregate classification.
Comment: The p.Ser601Leu has been reported in at least 8 individuals with Pompe disease, several of whom were either compound heterozygous with a pathogenic/likely pathogenic variant or homozygous (Herzog 2012 PMID: 22676651, Chen 2017 PMID: 28394184, Al-Hassnan 2018 PMID: 30023291). It has also been identified in 0.02% (1/5194)) of East Asian chromosomes by gnomAD, v. 3. The variant has been reported in clinvar (Variation ID 194154), and is classified as pathogenic by the ClinGen Lysosomal Storage Disorder Variant Curation Expert Panel. In vitro studies provide evidence that the variant may impact normal protein activity (Kroos 2012 PMID: 22644586), and computation tools also predict an impact to the protein. In addition, a second variant at the same amino acid position (Ser601Trp) has also been reported in patients with Pompe disease. In summary, this variant meets criteria to be classified as pathogenic for autosomal recessive Pompe disease. ACMG/AMP criteria applied: PM3_Strong, PM5, PS3_Moderate, PM2_Supporting, PP3, PP4.